The following is an entry in ClinVar:

NM_002055.5(GFAP):c.208C>T (p.Arg70Trp)

Gene: GFAP (glial fibrillary acidic protein; minus strand). Cytogenetic location: 17q21.31.
Variant type: single nucleotide variant.
Coding change: c.208C>T on transcript NM_002055.5 (MANE Select); coding-DNA position 208, C replaced by T.
Protein change: p.Arg70Trp; replaces arginine 70 with tryptophan.
Molecular consequence: missense variant.
Genome position (GRCh38, 1-based): chr17:44,915,279, G>A on the plus strand (C>T on the coding strand, the complement: GFAP is on the minus strand). VCF-style: chr17-44915279-G-A. GRCh37 (hg19) VCF-style: chr17-42992647-G-A.
Other names: c.208C>T, p.Arg70Trp (NM_001131019.3, NM_001242376.3, NM_001363846.2); short protein forms R70W.
Identifiers: ClinVar variation 66460 (VCV000066460.44), dbSNP rs60343255, ClinGen allele CA217151.

ClinVar aggregate classification (germline): Pathogenic. Review status: criteria provided, multiple submitters, no conflicts (2 of 4 stars). 6 submissions from 6 submitters: Pathogenic (4). 2 of the submissions do not count toward it. Last evaluated 2024-12-16.

Conditions:
Alexander disease (ALXDRD). Also called: Alexander's disease. Identifiers: Orphanet 58, MedGen C0270726, MONDO:0008752, OMIM 203450.

Submissions (6):

Human Genetics Bochum, Ruhr University Bochum
Classification: Pathogenic for Alexander disease. Last evaluated: 2024-12-16. Review status: criteria provided, single submitter. Criteria: ACMG Guidelines, 2015. Collection method: clinical testing. Allele origin: germline. Affected: yes.
Comment: ACMG criteria used to clasify this variant: PS4_MOD, PM1, PM5, PP3_MOD, PM2_SUP, PP2

CeGaT Center for Human Genetics Tuebingen
Classification: Pathogenic. Last evaluated: 2019-07-01. Review status: criteria provided, single submitter. Criteria: CeGaT Center For Human Genetics Tuebingen Variant Classification Criteria Version 2. Collection method: clinical testing. Allele origin: germline. Affected: yes. Observed: 1 variant allele.

Mendelics
Classification: Pathogenic for Alexander disease. Last evaluated: 2019-05-28. Review status: criteria provided, single submitter. Criteria: Mendelics Assertion Criteria 2017. Collection method: clinical testing. Allele origin: unknown.

Department of Laboratory Medicine, Soonchunhyang University Seoul Hospital
Classification: Pathogenic for Alexander disease. Last evaluated: 2018-08-10. Review status: criteria provided, single submitter. Criteria: ACMG Guidelines, 2015. Collection method: clinical testing. Allele origin: germline. Inheritance: Autosomal dominant inheritance. Affected: yes. Observed: 1 heterozygote.

Epithelial Biology;  Institute of Medical Biology, Singapore
No classification provided. Review status: no classification provided. Collection method: not provided. Allele origin: not provided. Not counted in ClinVar's aggregate classification.

GeneReviews
No classification provided. Condition: Alexander disease. Review status: no classification provided. Collection method: literature only. Allele origin: germline. Not counted in ClinVar's aggregate classification.

Literature cited by the submitters: PubMed 16240361 (cited by Department of Laboratory Medicine, Soonchunhyang University Seoul Hospital and GeneReviews); NCBI Bookshelf NBK1172 (cited by GeneReviews); PubMed 17438228 (cited by GeneReviews); PubMed 18388212 (cited by GeneReviews); PubMed 17894839 (cited by GeneReviews); PubMed 18684770 (cited by GeneReviews); PubMed 20849398 (cited by GeneReviews).